The following is an entry in ClinVar:

NM_000090.4(COL3A1):c.1509+10T>C

Gene: COL3A1 (collagen type III alpha 1 chain; plus strand). Cytogenetic location: 2q32.2.
Variant type: single nucleotide variant.
Coding change: c.1509+10T>C on transcript NM_000090.4 (MANE Select); 10 bases into the intron after coding-DNA position 1509, T replaced by C.
Molecular consequence: intron variant.
Genome position (GRCh38, 1-based): chr2:188,995,109, T>C. VCF-style: chr2-188995109-T-C. GRCh37 (hg19) VCF-style: chr2-189859835-T-C.
Identifiers: ClinVar variation 669318 (VCV000669318.1), dbSNP rs1576465669, ClinGen allele CA915942281.
Genomic context (GRCh38, chr2:188,995,109, plus strand): 5'-GCCCCTGGGTTCCGAGGACCTGCTGGACCAAATGGCATCCCAGGAGAAAAGGTAGATAAC[T>C]TTAGTTTCTATGTTCCTAAATGCTAGCACCACAAATGGGCAGTTCTTGTATACAATTTCT-3'

ClinVar aggregate classification (germline): Likely benign (1 of 4 stars; one submission).

Allele frequency attached by ClinVar (database versions not stated): gnomAD exomes 0.00001.
gnomAD v4.1: 12 of 1,613,750 alleles (0.00074%); highest among the groups gnomAD compares: Non-Finnish European, 0.001%; no homozygotes.

Submission:

GeneDx
Classification: Likely benign. Last evaluated: 2018-06-06. Review status: criteria provided, single submitter. Criteria: GeneDx Variant Classification (06012015). Collection method: clinical testing. Allele origin: germline. Affected: yes.
Comment: This variant is considered likely benign or benign based on one or more of the following criteria: it is a conservative change, it occurs at a poorly conserved position in the protein, it is predicted to be benign by multiple in silico algorithms, and/or has population frequency not consistent with disease.